The following is an entry in ClinVar:

NM_018975.4(TERF2IP):c.1076A>G (p.Tyr359Cys)

Gene: TERF2IP (TERF2 interacting protein; plus strand). Cytogenetic location: 16q23.1.
Variant type: single nucleotide variant.
Coding change: c.1076A>G on transcript NM_018975.4 (MANE Select); coding-DNA position 1076, A replaced by G.
Protein change: p.Tyr359Cys; replaces tyrosine 359 with cysteine.
Molecular consequence: missense variant. On other transcripts: non-coding transcript variant (1).
Genome position (GRCh38, 1-based): chr16:75,656,487, A>G. VCF-style: chr16-75656487-A-G. GRCh37 (hg19) VCF-style: chr16-75690385-A-G.
Other names: short protein forms Y359C.
Identifiers: ClinVar variation 1784854 (VCV001784854.2), dbSNP rs754861411, ClinGen allele CA8178161.

ClinVar aggregate classification (germline): Uncertain significance (1 of 4 stars; one submission).

Allele frequency attached by ClinVar (database versions not stated): ExAC 0.00001.
gnomAD v4.1: 4 of 1,614,220 alleles (0.00025%); highest among the groups gnomAD compares: Non-Finnish European, 0.00034%; no homozygotes.

Submission:

Ambry Genetics
Classification: Uncertain significance. Last evaluated: 2023-10-20. Review status: criteria provided, single submitter. Criteria: Ambry Variant Classification Scheme 2023. Collection method: clinical testing. Allele origin: germline.
Comment: The p.Y359C variant (also known as c.1076A>G), located in coding exon 3 of the TERF2IP gene, results from an A to G substitution at nucleotide position 1076. The tyrosine at codon 359 is replaced by cysteine, an amino acid with highly dissimilar properties. This amino acid position is conserved. In addition, the in silico prediction for this alteration is inconclusive. Since supporting evidence is limited at this time, the clinical significance of this alteration remains unclear.